The following is an entry in ClinVar:

NM_152618.3(BBS12):c.67G>A (p.Ala23Thr)

Gene: BBS12 (Bardet-Biedl syndrome 12; plus strand). Cytogenetic location: 4q27.
Variant type: single nucleotide variant.
Coding change: c.67G>A on transcript NM_152618.3 (MANE Select); coding-DNA position 67, G replaced by A.
Protein change: p.Ala23Thr; replaces alanine 23 with threonine.
Molecular consequence: missense variant.
Genome position (GRCh38, 1-based): chr4:122,741,959, G>A. VCF-style: chr4-122741959-G-A. GRCh37 (hg19) VCF-style: chr4-123663114-G-A.
Other names: c.67G>A, p.Ala23Thr (NM_001178007.2); short protein forms A23T.
Identifiers: ClinVar variation 851110 (VCV000851110.11), dbSNP rs371153231, ClinGen allele CA3069233.

ClinVar aggregate classification (germline): Uncertain significance. Review status: criteria provided, multiple submitters, no conflicts (2 of 4 stars). 6 submissions from 6 submitters: Uncertain significance (5). 1 of the submissions does not count toward it. Last evaluated 2026-02-19.

Conditions:
BBS12-related disorder. Also called: BBS12-related condition.
Bardet-Biedl syndrome (BBS). Identifiers: Orphanet 110, MedGen C0752166, MONDO:0015229.
Bardet-Biedl syndrome 12 (BBS12). Identifiers: Orphanet 110, MedGen C1859570, MONDO:0014440, OMIM 615989.
Inborn genetic diseases. Identifiers: MedGen C0950123, MeSH D030342.

Allele frequency attached by ClinVar (database versions not stated): ExAC 0.00005; gnomAD exomes 0.00005; ESP Exome Variant Server 0.00008; TOPMed 0.00008; gnomAD 0.00009.

Submissions (6):

PreventionGenetics, part of Exact Sciences
Classification: Uncertain significance for BBS12-related condition. Last evaluated: 2026-02-19. Review status: criteria provided, single submitter. Criteria: ACMG Guidelines, 2015. Collection method: clinical testing. Allele origin: germline.
Comment: The BBS12 c.67G>A variant is predicted to result in the amino acid substitution p.Ala23Thr. To our knowledge, this variant has not been reported in the literature. This variant is reported in 0.036% of alleles in individuals of African descent in gnomAD. At this time, the clinical significance of this variant is uncertain due to the absence of conclusive functional and genetic evidence.

Labcorp Genetics (formerly Invitae), Labcorp
Classification: Uncertain significance for Bardet-Biedl syndrome. Last evaluated: 2026-02-01. Review status: criteria provided, single submitter. Criteria: Invitae Variant Classification Sherloc (09022015). Collection method: clinical testing. Allele origin: germline.
Comment: This sequence change replaces alanine, which is neutral and non-polar, with threonine, which is neutral and polar, at codon 23 of the BBS12 protein (p.Ala23Thr). This variant is present in population databases (rs371153231, gnomAD 0.04%). This variant has not been reported in the literature in individuals affected with BBS12-related conditions. ClinVar contains an entry for this variant (Variation ID: 851110). Invitae Evidence Modeling of protein sequence and biophysical properties (such as structural, functional, and spatial information, amino acid conservation, physicochemical variation, residue mobility, and thermodynamic stability) indicates that this missense variant is not expected to disrupt BBS12 protein function with a negative predictive value of 80%. In summary, the available evidence is currently insufficient to determine the role of this variant in disease. Therefore, it has been classified as a Variant of Uncertain Significance.

Ambry Genetics
Classification: Uncertain significance for Inborn genetic diseases. Last evaluated: 2024-10-12. Review status: criteria provided, single submitter. Criteria: Ambry Variant Classification Scheme 2023. Collection method: clinical testing. Allele origin: germline.

Fulgent Genetics
Classification: Uncertain significance for Bardet-Biedl syndrome 12. Last evaluated: 2024-06-10. Review status: criteria provided, single submitter. Criteria: ACMG Guidelines, 2015. Collection method: clinical testing. Allele origin: germline.

Blueprint Genetics
Classification: Uncertain significance. Last evaluated: 2020-08-30. Review status: criteria provided, single submitter. Criteria: ACMG Guidelines, 2015. Collection method: clinical testing. Allele origin: germline.

Natera, Inc.
Classification: Uncertain significance for Bardet-Biedl syndrome type 12. Last evaluated: 2020-09-16. Review status: no assertion criteria provided. Collection method: clinical testing. Allele origin: germline. Not counted in ClinVar's aggregate classification.